The following is an entry in ClinVar:

ClinVar aggregate classification (germline): Uncertain significance (1 of 4 stars; one submission).

Conditions:
Inborn genetic diseases. Identifiers: MedGen C0950123, MeSH D030342.

Submission:

Ambry Genetics
Classification: Uncertain significance for Inborn genetic diseases. Last evaluated: 2020-11-19. Review status: criteria provided, single submitter. Criteria: Ambry Variant Classification Scheme 2023. Collection method: clinical testing. Allele origin: germline.
Comment: The c.752A>G (p.K251R) alteration is located in coding exon 5 of the CACNA1A gene. This alteration results from an A to G substitution at nucleotide position 752, causing the lysine (K) at amino acid position 251 to be replaced by an arginine (R). Based on data from the Genome Aggregation Database (gnomAD), the CACNA1A c.752A>G alteration was not observed, with coverage at this position. This amino acid position is highly conserved in available vertebrate species. This missense alteration is located in a region that has a low rate of benign missense variation (Lek, 2016; Firth, 2009). The in silico prediction for the p.K251R alteration is inconclusive. Based on insufficient or conflicting evidence, the clinical significance of this alteration remains unclear.

NM_001127222.2(CACNA1A):c.752A>G (p.Lys251Arg)

Gene: CACNA1A (calcium voltage-gated channel subunit alpha1 A; minus strand). Cytogenetic location: 19p13.13.
Variant type: single nucleotide variant.
Coding change: c.752A>G on transcript NM_001127222.2 (MANE Select); coding-DNA position 752, A replaced by G.
Protein change: p.Lys251Arg; replaces lysine 251 with arginine.
Molecular consequence: missense variant.
Genome position (GRCh38, 1-based): chr19:13,365,349, T>C on the plus strand (A>G on the coding strand, the complement: CACNA1A is on the minus strand). VCF-style: chr19-13365349-T-C. GRCh37 (hg19) VCF-style: chr19-13476163-T-C.
Other names: c.752A>G, p.Lys251Arg (NM_000068.4, NM_001127221.2, NM_001174080.2 and 1 more transcripts); short protein forms K251R.
Identifiers: ClinVar variation 2227994 (VCV002227994.2), dbSNP rs2513175376, ClinGen allele CA404348359.